The following is an entry in ClinVar:

ClinVar aggregate classification (germline): Conflicting classifications of pathogenicity. Review status: criteria provided, conflicting classifications (1 of 4 stars). 5 submissions from 5 submitters: Uncertain significance (3); Likely benign (1). 1 of the submissions does not count toward it. Last evaluated 2025-11-26.

Conditions:
Peroxisome biogenesis disorder 4A (Zellweger) (PBD4A). Also called: Zellweger syndrome spectrum (PEX6-related). Identifiers: Orphanet 912, MedGen C3553936, MONDO:0013930, OMIM 614862. Disease mechanism: loss of function.
Zellweger spectrum disorders (ZS). Also called: Zellweger Spectrum Disorder; Zellweger Spectrum; Zellweger syndrome; Zellweger Spectrum Disorder (ZSD). Identifiers: Orphanet 912, MedGen C0043459, MONDO:0019609.
Peroxisome biogenesis disorder. Identifiers: Orphanet 79189, MedGen C1832200, MONDO:0019234. Disease mechanism: loss of function.

Allele frequency attached by ClinVar (database versions not stated): 1000 Genomes Project 30x 0.00016; 1000 Genomes Project 0.00020.
gnomAD v4.1: 77 of 1,611,158 alleles (0.0048%); highest among the groups gnomAD compares: South Asian, 0.074%; 1 homozygote.

Submissions (5):

Labcorp Genetics (formerly Invitae), Labcorp
Classification: Likely benign for Peroxisome biogenesis disorder. Last evaluated: 2025-11-26. Review status: criteria provided, single submitter. Criteria: Invitae Variant Classification Sherloc (09022015). Collection method: clinical testing. Allele origin: germline.

CeGaT Center for Human Genetics Tuebingen
Classification: Uncertain significance. Last evaluated: 2024-01-01. Review status: criteria provided, single submitter. Criteria: CeGaT Center For Human Genetics Tuebingen Variant Classification Criteria Version 2. Collection method: clinical testing. Allele origin: germline. Affected: yes. Observed: 1 variant allele.
Comment: PEX6: PM2, BP4

Eurofins Ntd Llc (ga)
Classification: Uncertain significance. Last evaluated: 2018-03-26. Review status: criteria provided, single submitter. Criteria: EGL ClinVar v180209 classification definitions. Collection method: clinical testing. Allele origin: germline. Observed: 1 variant allele, 1 heterozygote.

Neuberg Centre For Genomic Medicine, NCGM
Classification: Uncertain significance for Peroxisome biogenesis disorder 4A (Zellweger). Review status: criteria provided, single submitter. Criteria: ACMG Guidelines, 2015. Collection method: clinical testing. Allele origin: germline. Inheritance: Autosomal recessive inheritance. Affected: yes.
Comment: The missense variant p.E592Q in PEX6 (NM_000287.4) has not been reported previously as a pathogenic variant nor as a benign variant, to our knowledge. There is a small physicochemical difference between glutamic acid and glutamine, which is not likely to impact secondary protein structure as these residues share similar properties. The p.E592Q missense variant is predicted to be tolerated by both SIFT or PolyPhen2. The nucleotide c.1774 in PEX6 is not conserved according to a GERP++ and PhyloP analysis of 100 vertebrates. For these reasons, this variant has been classified as Uncertain Significance.

Natera, Inc.
Classification: Uncertain significance for Zellweger syndrome. Last evaluated: 2019-10-28. Review status: no assertion criteria provided. Collection method: clinical testing. Allele origin: germline. Not counted in ClinVar's aggregate classification.

NM_000287.4(PEX6):c.1774G>C (p.Glu592Gln)

Gene: PEX6 (peroxisomal biogenesis factor 6; minus strand). Cytogenetic location: 6p21.1.
Variant type: single nucleotide variant.
Coding change: c.1774G>C on transcript NM_000287.4 (MANE Select); coding-DNA position 1774, G replaced by C.
Protein change: p.Glu592Gln; replaces glutamic acid 592 with glutamine.
Molecular consequence: missense variant. On other transcripts: non-coding transcript variant (1).
Genome position (GRCh38, 1-based): chr6:42,967,478, C>G on the plus strand (G>C on the coding strand, the complement: PEX6 is on the minus strand). VCF-style: chr6-42967478-C-G. GRCh37 (hg19) VCF-style: chr6-42935216-C-G.
Other names: c.1510G>C, p.Glu504Gln (NM_001316313.2); short protein forms E592Q, E504Q.
Identifiers: ClinVar variation 596380 (VCV000596380.33), dbSNP rs375288192, ClinGen allele CA3811222.
Genomic context (GRCh38, chr6:42,967,478, plus strand): 5'-GGTGGGCAGTGAGGGCCCGCAGGATGCTGAGCCGCTGCCCCTCTGACAGAGCAGGCACCT[C>G]GAGCTCATGAGGAAATGCTGTCTGCACATCAGCAGGCAGGTCCTGGGCCCGGCTTGTGGT-3'
Protein context (NP_000278.3, residues 582-602): DVQTAFPHEL[Glu592Gln]VPALSEGQRL